The following is an entry in ClinVar:

NM_005633.4(SOS1):c.619G>A (p.Ala207Thr)

Gene: SOS1 (SOS Ras/Rac guanine nucleotide exchange factor 1; minus strand). Cytogenetic location: 2p22.1.
Variant type: single nucleotide variant.
Coding change: c.619G>A on transcript NM_005633.4 (MANE Select); coding-DNA position 619, G replaced by A.
Protein change: p.Ala207Thr; replaces alanine 207 with threonine.
Molecular consequence: missense variant.
Genome position (GRCh38, 1-based): chr2:39,054,715, C>T on the plus strand (G>A on the coding strand, the complement: SOS1 is on the minus strand). VCF-style: chr2-39054715-C-T. GRCh37 (hg19) VCF-style: chr2-39281856-C-T.
Other names: c.598G>A, p.Ala200Thr (NM_001382394.1); c.619G>A, p.Ala207Thr (NM_001382395.1); short protein forms A200T, A207T.
Identifiers: ClinVar variation 1978980 (VCV001978980.6), dbSNP rs759310872, ClinGen allele CA1624755.
Genomic context (GRCh38, chr2:39,054,715, plus strand): 5'-TAAAAACTTTTATAATTAGATTTAGTTCCCTTATATATTGTCGAATTTCTGCCATAAATG[C>T]TTTTACCAAATCATAGTAAGTTTGTTCTCCTGAGGTGGAAGGCTCTTCGTCAGTTAAAGA-3'
Protein context (NP_005624.2, residues 197-217): GEQTYYDLVK[Ala207Thr]FMAEIRQYIR

ClinVar aggregate classification (germline): Conflicting classifications of pathogenicity. Review status: criteria provided, conflicting classifications (1 of 4 stars). 3 submissions from 3 submitters: Uncertain significance (2); Likely benign (1). Last evaluated 2026-05-24.

Conditions:
Cardiovascular phenotype. Identifiers: MedGen CN230736.
RASopathy. Also called: rasopathies; Noonan spectrum disorder. Identifiers: Orphanet 536391, MedGen C5555857, MONDO:0021060.
SOS1-related disorder. Also called: SOS1-related condition.

Allele frequency attached by ClinVar (database versions not stated): gnomAD exomes below 0.00001; ExAC 0.00001; TOPMed 0.00001.
gnomAD v4.1: 1 of 1,597,826 alleles (0.000063%); highest among the groups gnomAD compares: South Asian, 0.0011%; no homozygotes.

Submissions (3):

Ambry Genetics
Classification: Uncertain significance for Cardiovascular phenotype. Last evaluated: 2026-05-24. Review status: criteria provided, single submitter. Criteria: Ambry Variant Classification Scheme 2023. Collection method: clinical testing. Allele origin: germline.
Comment: The p.A207T variant (also known as c.619G>A), located in coding exon 5 of the SOS1 gene, results from a G to A substitution at nucleotide position 619. The alanine at codon 207 is replaced by threonine, an amino acid with similar properties. This amino acid position is conserved. In addition, this alteration is predicted to be tolerated by in silico analysis. Based on the available evidence, the clinical significance of this variant remains unclear.

Labcorp Genetics (formerly Invitae), Labcorp
Classification: Likely benign for RASopathy. Last evaluated: 2025-12-20. Review status: criteria provided, single submitter. Criteria: Invitae Variant Classification Sherloc (09022015). Collection method: clinical testing. Allele origin: germline.

PreventionGenetics, part of Exact Sciences
Classification: Uncertain significance for SOS1-related condition. Last evaluated: 2025-10-13. Review status: criteria provided, single submitter. Criteria: ACMG Guidelines, 2015. Collection method: clinical testing. Allele origin: germline.
Comment: The SOS1 c.619G>A variant is predicted to result in the amino acid substitution p.Ala207Thr. To our knowledge, this variant has not been reported in the literature. This variant is reported in 0.0033% of alleles in individuals of South Asian descent in gnomAD. At this time, the clinical significance of this variant is uncertain due to the absence of conclusive functional and genetic evidence.